The following is an entry in ClinVar:

NM_030962.4(SBF2):c.4102G>A (p.Asp1368Asn)

Gene: SBF2 (SET binding factor 2; minus strand). Cytogenetic location: 11p15.4.
Variant type: single nucleotide variant.
Coding change: c.4102G>A on transcript NM_030962.4 (MANE Select); coding-DNA position 4102, G replaced by A.
Protein change: p.Asp1368Asn; replaces aspartic acid 1368 with asparagine.
Molecular consequence: missense variant.
Genome position (GRCh38, 1-based): chr11:9,812,585, C>T on the plus strand (G>A on the coding strand, the complement: SBF2 is on the minus strand). VCF-style: chr11-9812585-C-T. GRCh37 (hg19) VCF-style: chr11-9834132-C-T.
Other names: c.4198G>A, p.Asp1400Asn (NM_001386339.1); c.3973G>A, p.Asp1325Asn (NM_001386342.1); short protein forms D1368N, D1325N, D1400N.
Identifiers: ClinVar variation 568578 (VCV000568578.16), dbSNP rs144063037, ClinGen allele CA5881064.

ClinVar aggregate classification (germline): Uncertain significance. Review status: criteria provided, multiple submitters, no conflicts (2 of 4 stars). 2 submissions from 2 submitters: Uncertain significance (2). Last evaluated 2025-08-01.

Conditions:
Charcot-Marie-Tooth disease type 4. Also called: Charcot-Marie-Tooth disease, type IV; Charcot-Marie-Tooth, Type 4. Identifiers: Orphanet 64749, MedGen C4082197, MONDO:0018995.

Allele frequency attached by ClinVar (database versions not stated): gnomAD exomes 0.00001; TOPMed 0.00001; ExAC 0.00002; ESP Exome Variant Server 0.00015.
gnomAD v4.1: 10 of 1,614,198 alleles (0.00062%); highest among the groups gnomAD compares: Non-Finnish European, 0.00085%; no homozygotes.

Submissions (2):

CeGaT Center for Human Genetics Tuebingen
Classification: Uncertain significance. Last evaluated: 2025-08-01. Review status: criteria provided, single submitter. Criteria: CeGaT Center For Human Genetics Tuebingen Variant Classification Criteria Version 2. Collection method: clinical testing. Allele origin: germline. Affected: yes. Observed: 1 variant allele.
Comment: SBF2: PM2

Labcorp Genetics (formerly Invitae), Labcorp
Classification: Uncertain significance for Charcot-Marie-Tooth disease type 4. Last evaluated: 2022-01-14. Review status: criteria provided, single submitter. Criteria: Invitae Variant Classification Sherloc (09022015). Collection method: clinical testing. Allele origin: germline.
Comment: This sequence change replaces aspartic acid, which is acidic and polar, with asparagine, which is neutral and polar, at codon 1368 of the SBF2 protein (p.Asp1368Asn). This variant is present in population databases (rs144063037, gnomAD 0.003%). This variant has not been reported in the literature in individuals affected with SBF2-related conditions. ClinVar contains an entry for this variant (Variation ID: 568578). Algorithms developed to predict the effect of missense changes on protein structure and function are either unavailable or do not agree on the potential impact of this missense change (SIFT: "Deleterious"; PolyPhen-2: "Benign"; Align-GVGD: "Class C0"). In summary, the available evidence is currently insufficient to determine the role of this variant in disease. Therefore, it has been classified as a Variant of Uncertain Significance.